The following is an entry in ClinVar:

ClinVar aggregate classification (germline): Uncertain significance (1 of 4 stars; one submission).

Conditions:
Polycystic kidney disease, adult type (PKD1). Also called: POLYCYSTIC KIDNEY DISEASE, ADULT, TYPE I; Polycystic Kidney Disease 1, Autosomal Dominant; Polycystic kidney disease 1; Polycystic kidney disease 1, severe; Polycystic Kidney, Autosomal Dominant; POLYCYSTIC KIDNEY DISEASE 1 WITH OR WITHOUT POLYCYSTIC LIVER DISEASE. Identifiers: MedGen C3149841, MONDO:0008263, OMIM 173900.

Submission:

Pittsburgh Clinical Genomics Laboratory, University of Pittsburgh Medical Center
Classification: Uncertain significance for Polycystic kidney disease, adult type. Last evaluated: 2024-03-22. Review status: criteria provided, single submitter. Criteria: ACMG Guidelines, 2015. Collection method: clinical testing. Allele origin: germline. Inheritance: Autosomal dominant inheritance. Affected: yes.
Comment: This sequence variant is a single nucleotide substitution (G>T) at position 1849 of the coding sequence of the PKD1 gene that results in a glycine to tryptophan amino acid change at residue 617 of the polycystin 1, transient receptor potential channel interacting protein. This novel variant is absent from ClinVar, published literature, and the gnomAD v4.0.0 population database (0/~1545000 alleles). Multiple bioinformatic tools predict that this amino acid change would be damaging, and the Gly617 residue at this position is moderately conserved across the vertebrate species examined. Furthermore, bioinformatic splicing tools predict that this variant will disrupt the adjacent splice donor site. Studies examining the functional consequence of this variant have not been performed, to our knowledge. At this time, there is insufficient evidence to determine if this variant is pathogenic or benign. Therefore, we consider this a variant of uncertain significance. ACMG Criteria: PM2, PP3

NM_001009944.3(PKD1):c.1849G>T (p.Gly617Trp)

Gene: PKD1 (polycystin 1, transient receptor potential channel interacting; minus strand). Cytogenetic location: 16p13.3.
Variant type: single nucleotide variant.
Coding change: c.1849G>T on transcript NM_001009944.3 (MANE Select); coding-DNA position 1849, G replaced by T.
Protein change: p.Gly617Trp; replaces glycine 617 with tryptophan.
Molecular consequence: missense variant.
Genome position (GRCh38, 1-based): chr16:2,115,992, C>A on the plus strand (G>T on the coding strand, the complement: PKD1 is on the minus strand). VCF-style: chr16-2115992-C-A. GRCh37 (hg19) VCF-style: chr16-2165993-C-A.
Other names: c.1849G>T, p.Gly617Trp (NM_000296.4); short protein forms G617W.
Identifiers: ClinVar variation 3376475 (VCV003376475.1).